The following is an entry in ClinVar:

NM_006767.4(LZTR1):c.696dup (p.Val233fs)

Gene: LZTR1 (leucine zipper like post translational regulator 1; plus strand). Cytogenetic location: 22q11.21.
Variant type: Duplication.
Coding change: c.696dup on transcript NM_006767.4 (MANE Select); coding-DNA position 696, one base duplicated (C; older notation c.696dupC).
Protein change: p.Val233fs; shifts the reading frame from valine 233.
Molecular consequence: frameshift variant.
Genome position (GRCh38, 1-based): chr22:20,990,430, C duplicated; the last of 4 consecutive C bases (chr22:20,990,427-20,990,430); duplicating any one gives the same sequence. VCF-style (leftmost placement, unchanged base first): chr22-20990426-T-TC. GRCh37 (hg19) VCF-style: chr22-21344715-T-TC.
Other names: short protein forms V233fs.
Identifiers: ClinVar variation 3541547 (VCV003541547.3).
Genomic context (GRCh38, chr22:20,990,426, plus strand): 5'-GCTGTCCTCTCCCCCTGCAGGTGGCCCAGAGTGGCGAGATCCCCCCATCTTGCTGCAACT[T>TC]CCCCGTGGCTGTGTGCCGGGACAAGATGTTTGTATTCTCTGGGCAAAGCGGAGCCAAAAT-3'

ClinVar aggregate classification (germline): Pathogenic. Review status: criteria provided, multiple submitters, no conflicts (2 of 4 stars). 2 submissions from 2 submitters: Pathogenic (2). Last evaluated 2024-12-03.

Conditions:
Hereditary cancer-predisposing syndrome. Also called: Hereditary Cancer Syndrome; Hereditary neoplastic syndrome; Tumor predisposition; Neoplastic Syndromes, Hereditary. Identifiers: Orphanet 140162, MedGen C0027672, MeSH D009386, MONDO:0015356.
Cardiovascular phenotype. Identifiers: MedGen CN230736.

Submissions (2):

Labcorp Genetics (formerly Invitae), Labcorp
Classification: Pathogenic. Last evaluated: 2024-12-03. Review status: criteria provided, single submitter. Criteria: Invitae Variant Classification Sherloc (09022015). Collection method: clinical testing. Allele origin: germline.
Comment: This sequence change creates a premature translational stop signal (p.Val233Argfs*27) in the LZTR1 gene. It is expected to result in an absent or disrupted protein product. Loss-of-function variants in LZTR1 are known to be pathogenic (PMID: 24362817, 25335493, 25480913, 25795793, 29469822, 30368668, 30442762, 30442766, 30481304, 30859559). This variant is present in population databases (rs759626368, gnomAD 0.0009%). This variant has not been reported in the literature in individuals affected with LZTR1-related conditions. For these reasons, this variant has been classified as Pathogenic.

Ambry Genetics
Classification: Pathogenic for Cardiovascular phenotype; Hereditary cancer-predisposing syndrome. Last evaluated: 2024-10-07. Review status: criteria provided, single submitter. Criteria: Ambry Variant Classification Scheme 2023. Collection method: clinical testing. Allele origin: germline.
Comment: The c.696dupC pathogenic mutation, located in coding exon 8 of the LZTR1 gene, results from a duplication of C at nucleotide position 696, causing a translational frameshift with a predicted alternate stop codon (p.V233Rfs*27). This variant is considered to be rare based on population cohorts in the Genome Aggregation Database (gnomAD). This alteration is expected to result in loss of function by premature protein truncation or nonsense-mediated mRNA decay. Loss-of-function variants in LZTR1 are related to an increased risk for schwannomas and autosomal recessive Noonan syndrome; however, such associations with autosomal dominant Noonan syndrome have not been observed (Piotrowski A et al. Nat Genet. 2014 Feb;46:182-7; Yamamoto GL et al. J Med Genet. 2015 Jun;52:413-21; Johnston JJ et al. Genet Med. 2018 10;20:1175-1185). Based on the supporting evidence, this variant is pathogenic for an increased risk of LZTR1-related schwannomatosis (SWN) and would be expected to cause autosomal recessive Noonan syndrome when present along with a second pathogenic or likely pathogenic variant on the other allele; however, the association of this alteration with autosomal dominant Noonan syndrome is unlikely.

Literature cited by the submitters: PubMed 24362817 (cited by Labcorp Genetics (formerly Invitae), Labcorp); PubMed 25335493 (cited by Labcorp Genetics (formerly Invitae), Labcorp); PubMed 25480913 (cited by Labcorp Genetics (formerly Invitae), Labcorp); PubMed 25795793 (cited by Labcorp Genetics (formerly Invitae), Labcorp); PubMed 29469822 (cited by Labcorp Genetics (formerly Invitae), Labcorp); PubMed 30368668 (cited by Labcorp Genetics (formerly Invitae), Labcorp); PubMed 30442762 (cited by Labcorp Genetics (formerly Invitae), Labcorp); PubMed 30442766 (cited by Labcorp Genetics (formerly Invitae), Labcorp); PubMed 30481304 (cited by Labcorp Genetics (formerly Invitae), Labcorp); PubMed 30859559 (cited by Labcorp Genetics (formerly Invitae), Labcorp).